The following is an entry in ClinVar:

ClinVar aggregate classification (germline): Conflicting classifications of pathogenicity. Review status: criteria provided, conflicting classifications (1 of 4 stars). 3 submissions from 3 submitters: Uncertain significance (1); Likely benign (2). Last evaluated 2026-09-01.

Conditions:
PCGF2-related disorder. Also called: PCGF2-related condition.
Inborn genetic diseases. Identifiers: MedGen C0950123, MeSH D030342.

Allele frequency attached by ClinVar (database versions not stated): ExAC 0.00003; gnomAD exomes 0.00006; TOPMed 0.00007; ESP Exome Variant Server 0.00008; gnomAD 0.00009.

Submissions (3):

PreventionGenetics, part of Exact Sciences
Classification: Likely benign for PCGF2-related condition. Last evaluated: 2026-09-01. Review status: criteria provided, single submitter. Criteria: ACMG Guidelines, 2015. Collection method: clinical testing. Allele origin: germline.
Comment: This variant is classified as likely benign based on ACMG/AMP sequence variant interpretation guidelines (Richards et al. 2015 PMID: 25741868, with internal and published modifications).

Labcorp Genetics (formerly Invitae), Labcorp
Classification: Uncertain significance. Last evaluated: 2024-09-12. Review status: criteria provided, single submitter. Criteria: Invitae Variant Classification Sherloc (09022015). Collection method: clinical testing. Allele origin: germline.
Comment: This sequence change replaces serine, which is neutral and polar, with asparagine, which is neutral and polar, at codon 126 of the PCGF2 protein (p.Ser126Asn). This variant is present in population databases (rs377546846, gnomAD 0.02%). This variant has not been reported in the literature in individuals affected with PCGF2-related conditions. ClinVar contains an entry for this variant (Variation ID: 1525505). Invitae Evidence Modeling of protein sequence and biophysical properties (such as structural, functional, and spatial information, amino acid conservation, physicochemical variation, residue mobility, and thermodynamic stability) indicates that this missense variant is not expected to disrupt PCGF2 protein function with a negative predictive value of 80%. In summary, the available evidence is currently insufficient to determine the role of this variant in disease. Therefore, it has been classified as a Variant of Uncertain Significance.

Ambry Genetics
Classification: Likely benign for Inborn genetic diseases. Last evaluated: 2022-01-19. Review status: criteria provided, single submitter. Criteria: Ambry Variant Classification Scheme 2023. Collection method: clinical testing. Allele origin: germline.

NM_007144.3(PCGF2):c.377G>A (p.Ser126Asn)

Gene: PCGF2 (polycomb group ring finger 2; minus strand). Cytogenetic location: 17q12.
Variant type: single nucleotide variant.
Coding change: c.377G>A on transcript NM_007144.3 (MANE Select); coding-DNA position 377, G replaced by A.
Protein change: p.Ser126Asn; replaces serine 126 with asparagine.
Molecular consequence: missense variant.
Genome position (GRCh38, 1-based): chr17:38,738,801, C>T on the plus strand (G>A on the coding strand, the complement: PCGF2 is on the minus strand). VCF-style: chr17-38738801-C-T. GRCh37 (hg19) VCF-style: chr17-36895054-C-T.
Other names: c.377G>A (NM_007144.2); c.377G>A, p.Ser126Asn (NM_001369614.1, NM_001369615.1); short protein forms S126N.
Identifiers: ClinVar variation 1525505 (VCV001525505.10), dbSNP rs377546846, ClinGen allele CA8525015.